The following is an entry in ClinVar:

ClinVar aggregate classification (germline): Pathogenic. Review status: reviewed by expert panel (3 of 4 stars). 2 submissions from 2 submitters: Pathogenic (1). 1 of the submissions does not count toward it. Last evaluated 2025-10-03.

Conditions:
Juvenile retinoschisis (RS1). Also called: X-linked retinoschisis; X-Linked Juvenile Retinoschisis. Identifiers: Orphanet 792, MedGen C3714753, MONDO:0010725, OMIM 312700.

Submissions (2):

ClinGen X-linked Inherited Retinal Disease Variant Curation Expert Panel, ClinGen
Classification: Pathogenic for Juvenile retinoschisis. Last evaluated: 2025-10-03. Review status: reviewed by expert panel. Criteria: ClinGen X LinkedIRD ACMG Specifications RS1 V1.0.0. Collection method: curation. Allele origin: germline. Inheritance: X-linked inheritance.
Comment: NM_000330.4(RS1):c.175T>G (p.Cys59Gly) is a missense variant encoding the substitution of cysteine with glycine at amino acid 59, which is a critical amino acid residue involved in disulfide bridge formation as defined by the ClinGen X-linked IRD VCEP (PMID: 26812435, PM1_Strong). Another missense variant in the same codon, NM_000330.4(RS1):c.175T>A (p.Cys59Ser), (PMIDs: 31174210, 10450864, 17987333, 9618178) has been classified as pathogenic for X-linked retinoschisis by the ClinGen X-linked IRD VCEP, while no benign missense variants have been identified in this codon. The present variant has a higher Grantham’s distance (159) than the comparison variant (112), and SpliceAI has been used to confirm that neither variant has a predicted impact on RS1 splicing (PM5). This variant is absent from hemizygous individuals in gnomAD v4.1.0 (PM2_Supporting). At least one proband harboring this variant exhibits a phenotype including appearance of schisis and reduced visual acuity before age 13 years, which together are specific for X-linked retinoschisis (PMID: 34645606, PMID: 33460243, PP4). This variant has been reported in at least 1 other proband meeting the PS4 requirement of a male diagnosed with X-linked retinoschisis, in addition to the apparently unrelated proband previously used for the PP4 code (PMIDs: 30652005, PS4_Supporting). The variant has been reported to segregate with X-linked retinoschisis through at least 3 meioses in two families with multiple affected brothers (PP1_Strong; PMID: 30652005). The computational predictor REVEL gives a score of 0.868, which is within the linGen X-linked IRD VCEP range between 0.931 to 0.773 and predicts a damaging effect on RS1 function. PP3 is not met since this code is ineligible in combination with PM1_Strong. The computational splicing predictor SpliceAI gives a delta score of 0.00 for all predictive splice changes, which is below the ClinGen X-linked IRD VCEP threshold of >0.2 and does not predict that the variant disrupts RS1 splicing. In summary, this variant is classified as pathogenic for X-linked retinoschisis based on the ClinGen X-linked Inherited Retinal Disease Expert Panel Specifications to the ACMG/AMP Variant Interpretation Guidelines for RS1 Version 1.0.0: PM2_Supporting, PM1_Strong, PP1_Strong, PP4, and PS4_Supporting.

Labcorp Genetics (formerly Invitae), Labcorp
Classification: Pathogenic. Last evaluated: 2021-12-15. Review status: criteria provided, single submitter. Criteria: Invitae Variant Classification Sherloc (09022015). Collection method: clinical testing. Allele origin: germline. Not counted in ClinVar's aggregate classification.
Comment: For these reasons, this variant has been classified as Pathogenic. This variant disrupts the p.Cys59 amino acid residue in RS1. Other variant(s) that disrupt this residue have been determined to be pathogenic (PMID: 9618178, 17525175, 19849666, 23288992, 27995734, 28615319). This suggests that this residue is clinically significant, and that variants that disrupt this residue are likely to be disease-causing. Advanced modeling of protein sequence and biophysical properties (such as structural, functional, and spatial information, amino acid conservation, physicochemical variation, residue mobility, and thermodynamic stability) performed at Invitae indicates that this missense variant is expected to disrupt RS1 protein function. This missense change has been observed in individual(s) with retinoschisis (PMID: 30652005). This variant is not present in population databases (gnomAD no frequency). This sequence change replaces cysteine, which is neutral and slightly polar, with glycine, which is neutral and non-polar, at codon 59 of the RS1 protein (p.Cys59Gly).

Literature cited by the submitters: PubMed 9618178 (cited by Labcorp Genetics (formerly Invitae), Labcorp); PubMed 17525175 (cited by Labcorp Genetics (formerly Invitae), Labcorp); PubMed 19849666 (cited by Labcorp Genetics (formerly Invitae), Labcorp); PubMed 23288992 (cited by Labcorp Genetics (formerly Invitae), Labcorp); PubMed 27995734 (cited by Labcorp Genetics (formerly Invitae), Labcorp); PubMed 28615319 (cited by Labcorp Genetics (formerly Invitae), Labcorp); PubMed 30652005 (cited by Labcorp Genetics (formerly Invitae), Labcorp).

NM_000330.4(RS1):c.175T>G (p.Cys59Gly)

Gene: RS1 (retinoschisin 1; minus strand). Cytogenetic location: Xp22.13.
Variant type: single nucleotide variant.
Coding change: c.175T>G on transcript NM_000330.4 (MANE Select); coding-DNA position 175, T replaced by G.
Protein change: p.Cys59Gly; replaces cysteine 59 with glycine.
Molecular consequence: missense variant.
Genome position (GRCh38, 1-based): chrX:18,656,662, A>C on the plus strand (T>G on the coding strand, the complement: RS1 is on the minus strand). VCF-style: chrX-18656662-A-C. GRCh37 (hg19) VCF-style: chrX-18674782-A-C.
Other names: NM_000330.4(RS1):c.175T>G; p.Cys59Gly; short protein forms C59G.
Identifiers: ClinVar variation 2159556 (VCV002159556.5), dbSNP rs62645889, ClinGen allele CA412376057.